The following is an entry in ClinVar:

NM_000496.3(CRYBB2):c.208G>A (p.Glu70Lys)

Gene: CRYBB2 (crystallin beta B2; plus strand). Cytogenetic location: 22q11.23.
Variant type: single nucleotide variant.
Coding change: c.208G>A on transcript NM_000496.3 (MANE Select); coding-DNA position 208, G replaced by A.
Protein change: p.Glu70Lys; replaces glutamic acid 70 with lysine.
Molecular consequence: missense variant.
Genome position (GRCh38, 1-based): chr22:25,227,887, G>A. VCF-style: chr22-25227887-G-A. GRCh37 (hg19) VCF-style: chr22-25623854-G-A.
Other names: short protein forms E70K.
Identifiers: ClinVar variation 3339897 (VCV003339897.1).

ClinVar aggregate classification (germline): Uncertain significance (1 of 4 stars; one submission).

gnomAD v4.1: 3 of 1,614,030 alleles (0.00019%); highest among the groups gnomAD compares: Non-Finnish European, 0.00025%; no homozygotes.

Submission:

Women's Health and Genetics/Laboratory Corporation of America, LabCorp
Classification: Uncertain significance. Last evaluated: 2024-06-21. Review status: criteria provided, single submitter. Criteria: LabCorp Variant Classification Summary - May 2015. Collection method: clinical testing. Allele origin: germline.
Comment: Variant summary: CRYBB2 c.208G>A (p.Glu70Lys) results in a conservative amino acid change located in the Beta/gamma crystallin (IPR001064) of the encoded protein sequence. Three of five in-silico tools predict a damaging effect of the variant on protein function. The variant was absent in 251420 control chromosomes. The available data on variant occurrences in the general population are insufficient to allow any conclusion about variant significance. To our knowledge, no occurrence of c.208G>A in individuals affected with Cataract 3 Multiple Types and no experimental evidence demonstrating its impact on protein function have been reported. No submitters have cited clinical-significance assessments for this variant to ClinVar. Based on the evidence outlined above, the variant was classified as uncertain significance.